The following is an entry in ClinVar:

NM_001368894.2(PAX6):c.10+1G>C

Gene: PAX6 (paired box 6; minus strand). Cytogenetic location: 11p13.
Variant type: single nucleotide variant.
Coding change: c.10+1G>C on transcript NM_001368894.2 (MANE Select); the canonical splice donor site of the intron after coding-DNA position 10, G replaced by C.
Molecular consequence: splice donor variant. On other transcripts: intron variant (2).
Genome position (GRCh38, 1-based): chr11:31,806,401, C>G on the plus strand (G>C on the coding strand, the complement: PAX6 is on the minus strand). VCF-style: chr11-31806401-C-G. GRCh37 (hg19) VCF-style: chr11-31827949-C-G.
Other names: c.10+1G>C (NM_001127612.3, NM_001368921.2, NM_001368923.2 and 30 more transcripts); c.110+1G>C (NM_001368910.2); c.-268+4427G>C (NM_001368909.2); c.14-3567G>C (NM_001368911.2); c.-268+1G>C (NM_001368904.2); c.-772+1G>C (NM_001368905.2).
Identifiers: ClinVar variation 812365 (VCV000812365.4), dbSNP rs1592610121, ClinGen allele CA379960097.
Genomic context (GRCh38, chr11:31,806,401, plus strand): 5'-CCCTGACCCTCGGGTCCGCGCACCCCGAGCCCGAAGTCCCAGAAAGACCAGAGGCACTTA[C>G]TGTTCTGCATGCTGGCTCTGGCTGGGGGCCGCGGGATTCCACGGGGCTCGAATATGGGGC-3'

ClinVar aggregate classification (germline): Pathogenic. Review status: criteria provided, multiple submitters, no conflicts (2 of 4 stars). 3 submissions from 3 submitters: Pathogenic (2). 1 of the submissions does not count toward it. Last evaluated 2025-11-04.

Conditions:
Congenital aniridia. Also called: Aniridia. Identifiers: MONDO:0019172, HP:0000526, MedGen C0003076.
PAX6-related disorder. Also called: PAX6-related disorders; PAX6-related condition.

Submissions (3):

Dasa
Classification: Pathogenic. Last evaluated: 2025-11-04. Review status: criteria provided, single submitter. Criteria: DASA Assertion Criteria. Collection method: clinical testing. Allele origin: germline.
Comment: NM_001368894.2(PAX6):c.10+1G>C introduces a premature termination codon predicted to result in loss of normal protein function. Loss-of-function is an established mechanism of disease for this gene. This variant results in the same amino acid change as a previously established pathogenic variant. This variant has been reported in individuals with related phenotype (PMID: 25678763). The variant is present at low frequency in population datasets. Based on the available data, this variant is classified as pathogenic.

Blueprint Genetics
Classification: Pathogenic for PAX6-related disorders. Last evaluated: 2024-03-15. Review status: criteria provided, single submitter. Criteria: ACMG Guidelines, 2015. Collection method: clinical testing. Allele origin: germline. Affected: yes. Observed: 1 variant allele.

Sharon lab, Hadassah-Hebrew University Medical Center
Classification: Pathogenic for Aniridia. Last evaluated: 2019-06-23. Review status: no assertion criteria provided. Collection method: research. Allele origin: inherited. Affected: yes. Not counted in ClinVar's aggregate classification.

Literature cited by the submitters: PubMed 25678763 (cited by Dasa).